The following is an entry in ClinVar:

ClinVar aggregate classification (germline): Conflicting classifications of pathogenicity. Review status: criteria provided, conflicting classifications (1 of 4 stars). 12 submissions from 12 submitters: Uncertain significance (8); Benign (1); Likely benign (2). 1 of the submissions does not count toward it. Last evaluated 2026-01-18.

Conditions:
Inborn genetic diseases. Identifiers: MedGen C0950123, MeSH D030342.
Chromosome 2p16.3 deletion syndrome. Identifiers: MedGen C3808494, MONDO:0013696, OMIM 614332.
Pitt-Hopkins-like syndrome 2 (PTHSL2). Identifiers: Orphanet 221150, Orphanet 600663, MedGen C3280479, MONDO:0013690, OMIM 614325.
Intellectual disability. Also called: Intellectual developmental disorder; Intellectual functioning disability; intellectual disabilities. Identifiers: MedGen C3714756, MeSH D008607, MONDO:0001071, HP:0001249.

Allele frequency attached by ClinVar (database versions not stated): 1000 Genomes Project 0.00020; ESP Exome Variant Server 0.00088; 1000 Genomes Project 30x 0.00047; gnomAD 0.00069 and 0.00074; TOPMed 0.00088; gnomAD exomes 0.00067; ExAC 0.00068.
gnomAD v4.1: 1,830 of 1,607,488 alleles (0.11%); highest among the groups gnomAD compares: Non-Finnish European, 0.15%; 1 homozygote.

Submissions (13):

Labcorp Genetics (formerly Invitae), Labcorp
Classification: Benign for Pitt-Hopkins-like syndrome 2. Last evaluated: 2026-01-18. Review status: criteria provided, single submitter. Criteria: Invitae Variant Classification Sherloc (09022015). Collection method: clinical testing. Allele origin: germline.

Blueprint Genetics
Classification: Likely benign. Last evaluated: 2024-11-19. Review status: criteria provided, single submitter. Criteria: ACMG Guidelines, 2015. Collection method: clinical testing. Allele origin: germline.

Mayo Clinic Laboratories, Mayo Clinic
Classification: Uncertain significance. Last evaluated: 2021-06-29. Review status: criteria provided, single submitter. Criteria: ACMG Guidelines, 2015. Collection method: clinical testing. Allele origin: germline.

GeneDx
Classification: Likely benign. Last evaluated: 2021-01-06. Review status: criteria provided, single submitter. Criteria: GeneDx Variant Classification Process June 2021. Collection method: clinical testing. Allele origin: germline. Affected: yes.

Ambry Genetics
Classification: Uncertain significance for Inborn genetic diseases. Last evaluated: 2020-09-17. Review status: criteria provided, single submitter. Criteria: Ambry Variant Classification Scheme 2023. Collection method: clinical testing. Allele origin: germline.
Comment: The p.N190S variant (also known as c.569A>G), located in coding exon 1 of the NRXN1 gene, results from an A to G substitution at nucleotide position 569. The asparagine at codon 190 is replaced by serine, an amino acid with highly similar properties. This variant was identified in three samples in a cohort of individuals with intellectual disability and congenital heart disease; however, detailed clinical information was not provided (Grozeva D et al. Hum. Mutat., 2015 Dec;36:1197-204). This amino acid position is well conserved in available vertebrate species. In addition, this alteration is predicted to be tolerated by in silico analysis. Since supporting evidence is limited at this time, the clinical significance of this alteration remains unclear.

Revvity Omics, Revvity
Classification: Uncertain significance for Pitt-Hopkins-like syndrome 2. Last evaluated: 2019-03-13. Review status: criteria provided, single submitter. Criteria: ACMG Guidelines, 2015. Collection method: clinical testing. Allele origin: germline.

Illumina Laboratory Services, Illumina
Classification: Uncertain significance for Pitt-Hopkins-like syndrome 2. Last evaluated: 2018-01-13. Review status: criteria provided, single submitter. Criteria: ICSL Variant Classification Criteria 13 December 2019. Collection method: clinical testing. Allele origin: germline.

Fulgent Genetics
Classification: Uncertain significance for Pitt-Hopkins-like syndrome 2; Chromosome 2p16.3 deletion syndrome. Last evaluated: 2017-05-23. Review status: criteria provided, single submitter. Criteria: ACMG Guidelines, 2015. Collection method: clinical testing. Allele origin: unknown.

Genetic Services Laboratory, University of Chicago
Classification: Uncertain significance. Last evaluated: 2015-07-15. Review status: criteria provided, single submitter. Criteria: ACMG Guidelines, 2015. Collection method: clinical testing. Allele origin: germline.

Eurofins Ntd Llc (ga)
Classification: Uncertain significance. Last evaluated: 2014-01-08. Review status: criteria provided, single submitter. Criteria: EGL Classification Definitions 2015. Collection method: clinical testing. Allele origin: germline. Observed: 3 variant alleles, 3 heterozygotes.

Center for Genomics, Ann and Robert H. Lurie Children's Hospital of Chicago
Classification: Uncertain significance for Pitt-Hopkins-like syndrome 2; Chromosome 2p16.3 deletion syndrome. Review status: criteria provided, single submitter. Criteria: ACMG Guidelines, 2015. Collection method: clinical testing. Allele origin: germline.
Comment: NRXN1 NM_001135659.2 exon 2 p.Asn190Ser (c.569A>G): This variant has not been reported in the literature but is present in 0.1% (130/120178) of European alleles in the Genome Aggregation Database. This variant is present in ClinVar (Variation ID:167390). Evolutionary conservation and computational predictive tools for this variant are unclear. In summary, data on this variant is insufficient for disease classification. Therefore, the clinical significance of this variant is uncertain.

Centre de Biologie Pathologie Génétique, Centre Hospitalier Universitaire de Lille
Classification: Uncertain significance for Intellectual disability. Last evaluated: 2019-01-01. Review status: no assertion criteria provided. Collection method: clinical testing. Allele origin: unknown. Affected: yes. Not counted in ClinVar's aggregate classification.

Dr. Peter K. Rogan Lab, Western University
No classification provided (evidence only). Condition: Adrenocortical carcinoma, hereditary. Review status: no classification provided. Collection method: in vitro. Allele origin: not applicable. Functional consequence: retained intron. Not counted in ClinVar's aggregate classification.

Literature cited by the submitters: PubMed 26350204 (cited by Ambry Genetics).

NM_001330078.2(NRXN1):c.569A>G (p.Asn190Ser)

Gene: NRXN1 (neurexin 1; minus strand). Cytogenetic location: 2p16.3.
Variant type: single nucleotide variant.
Coding change: c.569A>G on transcript NM_001330078.2 (MANE Select); coding-DNA position 569, A replaced by G.
Protein change: p.Asn190Ser; replaces asparagine 190 with serine.
Molecular consequence: missense variant.
Genome position (GRCh38, 1-based): chr2:51,027,705, T>C on the plus strand (A>G on the coding strand, the complement: NRXN1 is on the minus strand). VCF-style: chr2-51027705-T-C. GRCh37 (hg19) VCF-style: chr2-51254843-T-C.
Other names: p.N190S:AAC>AGC; c.569A>G, p.Asn190Ser (NM_001135659.3, NM_001330077.2, NM_001330079.2 and 15 more transcripts); short protein forms N190S.
Identifiers: ClinVar variation 167390 (VCV000167390.37), dbSNP rs200792504, ClinGen allele CA234426.